The following is an entry in ClinVar:

ClinVar aggregate classification (germline): Likely benign. Review status: criteria provided, multiple submitters, no conflicts (2 of 4 stars). 7 submissions from 7 submitters: Likely benign (5). 2 of the submissions do not count toward it. Last evaluated 2025-11-09.

Conditions:
Dilated cardiomyopathy 1DD (CMD1DD). Identifiers: Orphanet 154, MedGen C2750995, MONDO:0013168, OMIM 613172.
Cardiovascular phenotype. Identifiers: MedGen CN230736.

Allele frequency attached by ClinVar (database versions not stated): gnomAD 0.00003; TOPMed 0.00004.
gnomAD v4.1: 56 of 1,551,592 alleles (0.0036%); highest among the groups gnomAD compares: South Asian, 0.014%; no homozygotes.

Submissions (7):

Labcorp Genetics (formerly Invitae), Labcorp
Classification: Likely benign for Dilated cardiomyopathy 1DD. Last evaluated: 2025-11-09. Review status: criteria provided, single submitter. Criteria: Invitae Variant Classification Sherloc (09022015). Collection method: clinical testing. Allele origin: germline.

Women's Health and Genetics/Laboratory Corporation of America, LabCorp
Classification: Likely benign. Last evaluated: 2023-04-26. Review status: criteria provided, single submitter. Criteria: LabCorp Variant Classification Summary - May 2015. Collection method: clinical testing. Allele origin: germline.

Blueprint Genetics
Classification: Likely benign. Last evaluated: 2021-04-23. Review status: criteria provided, single submitter. Criteria: ACMG Guidelines, 2015. Collection method: clinical testing. Allele origin: germline.

Ambry Genetics
Classification: Likely benign for Cardiovascular phenotype. Last evaluated: 2020-08-20. Review status: criteria provided, single submitter. Criteria: Ambry Variant Classification Scheme 2023. Collection method: clinical testing. Allele origin: germline.

GeneDx
Classification: Likely benign. Last evaluated: 2016-08-10. Review status: criteria provided, single submitter. Criteria: GeneDx Variant Classification (06012015). Collection method: clinical testing. Allele origin: germline. Affected: yes.
Comment: This variant is considered likely benign or benign based on one or more of the following criteria: it is a conservative change, it occurs at a poorly conserved position in the protein, it is predicted to be benign by multiple in silico algorithms, and/or has population frequency not consistent with disease.

Clinical Genetics, Academic Medical Center
Classification: Benign. Review status: no assertion criteria provided. Collection method: clinical testing. Allele origin: germline. Affected: yes. Study: VKGL Data-share Consensus. Not counted in ClinVar's aggregate classification.

Genome Diagnostics Laboratory, University Medical Center Utrecht
Classification: Likely benign. Review status: no assertion criteria provided. Collection method: clinical testing. Allele origin: germline. Affected: yes. Study: VKGL Data-share Consensus. Not counted in ClinVar's aggregate classification.

NM_001134363.3(RBM20):c.2358C>T (p.Asp786=)

Gene: RBM20 (RNA binding motif protein 20; plus strand). Cytogenetic location: 10q25.2.
Variant type: single nucleotide variant.
Coding change: c.2358C>T on transcript NM_001134363.3 (MANE Select); coding-DNA position 2358, C replaced by T.
Protein change: p.Asp786=; no amino-acid change (aspartic acid 786 retained).
Molecular consequence: synonymous variant.
Genome position (GRCh38, 1-based): chr10:110,812,755, C>T. VCF-style: chr10-110812755-C-T. GRCh37 (hg19) VCF-style: chr10-112572513-C-T.
Other names: c.2358C>T (LRG_382t1, NM_001134363.2).
Identifiers: ClinVar variation 388483 (VCV000388483.15), dbSNP rs1045844360, ClinGen allele CA16605805.